The following is an entry in ClinVar:

ClinVar aggregate classification (germline): Likely benign (1 of 4 stars; one submission).

gnomAD v4.1: 7,624 of 1,614,010 alleles (0.47%); highest among the groups gnomAD compares: Middle Eastern, 0.58%; 46 homozygotes.

Submission:

CeGaT Center for Human Genetics Tuebingen
Classification: Likely benign. Last evaluated: 2026-06-01. Review status: criteria provided, single submitter. Criteria: CeGaT Center For Human Genetics Tuebingen Variant Classification Criteria Version 2. Collection method: clinical testing. Allele origin: germline. Affected: yes. Observed: 3 variant alleles.
Comment: ELOA2: BP4, BS2

NM_016427.3(ELOA2):c.904G>C (p.Asp302His)

Genes: ELOA2 (elongin A2; minus strand), KATNAL2 (katanin catalytic subunit A1 like 2; plus strand). Cytogenetic location: 18q21.1.
Variant type: single nucleotide variant.
Coding change: c.904G>C on transcript NM_016427.3 (MANE Select); coding-DNA position 904, G replaced by C.
Protein change: p.Asp302His; replaces aspartic acid 302 with histidine.
Molecular consequence: missense variant. On other transcripts: intron variant (14).
Genome position (GRCh38, 1-based): chr18:47,034,361, C>G on the plus strand (G>C on the coding strand, the complement: ELOA2 is on the minus strand). VCF-style: chr18-47034361-C-G. GRCh37 (hg19) VCF-style: chr18-44560732-C-G.
Other names: c.-1-23874C>G (NM_001353904.1, NM_001353903.1, NM_001353907.1 and 3 more transcripts); c.130-12096C>G (NM_001353899.1, NM_001353900.1, NM_001353902.1); c.52-12096C>G (NM_001353901.1, NM_001387690.1, NM_001367621.1); c.-294-12096C>G (NM_001353905.1); c.-94-18519C>G (NM_031303.3); short protein forms D302H.
Identifiers: ClinVar variation 3387856 (VCV003387856.14).
Genomic context (GRCh38, chr18:47,034,361, plus strand): 5'-CGTCTAGACTGGGCCTCTTCTTGTTCGAGTGACTGTGCTGAGGCCTCTTCTGGTGACTGT[C>G]TGGAGCCTCCTCCAAGGCAGGGACACGCTGGCCGCTGCCAGCTTGCCCCCCTTCCTTGTC-3'
Protein context (NP_057511.2, residues 292-312): QRVPALEEAP[Asp302His]SHQKRPQHSH